The following is an entry in ClinVar:

ClinVar aggregate classification (germline): Uncertain significance (1 of 4 stars; one submission).

Conditions:
Marfan syndrome (MFS). Also called: MARFAN SYNDROME, TYPE I; FBN1-Related Marfan Syndrome; Marfan syndrome type 1; Marfan's syndrome; Marfan syndrome, classic. Identifiers: Orphanet 284963, Orphanet 558, MedGen C0024796, MONDO:0007947, OMIM 154700.
Familial thoracic aortic aneurysm and aortic dissection (TAAD). Also called: Thoracic aortic aneurysms and dissections. Identifiers: Orphanet 91387, MedGen C4707243, MONDO:0019625.

Allele frequency attached by ClinVar (database versions not stated): gnomAD exomes below 0.00001.
gnomAD v4.1: 1 of 1,612,754 alleles (0.000062%); highest among the groups gnomAD compares: Non-Finnish European, 0.000085%; no homozygotes.

Submission:

Labcorp Genetics (formerly Invitae), Labcorp
Classification: Uncertain significance for Marfan syndrome; Familial thoracic aortic aneurysm and aortic dissection. Last evaluated: 2017-03-29. Review status: criteria provided, single submitter. Criteria: Invitae Variant Classification Sherloc (09022015). Collection method: clinical testing. Allele origin: germline.
Comment: In summary, this variant is a novel missense change with uncertain impact on protein function. It has been classified as a Variant of Uncertain Significance. Algorithms developed to predict the effect of missense changes on protein structure and function do not agree on the potential impact of this missense change (SIFT: "Deleterious"; PolyPhen-2: "Probably Damaging"; Align-GVGD: "Class C0"). This variant is not present in population databases (ExAC no frequency) and has not been reported in the literature in individuals with a FBN1-related disease. This sequence change replaces leucine with phenylalanine at codon 1941 of the FBN1 protein (p.Leu1941Phe). The leucine residue is highly conserved and there is a small physicochemical difference between leucine and phenylalanine.

NM_000138.5(FBN1):c.5821C>T (p.Leu1941Phe)

Gene: FBN1 (fibrillin 1; minus strand). Cytogenetic location: 15q21.1.
Variant type: single nucleotide variant.
Coding change: c.5821C>T on transcript NM_000138.5 (MANE Select); coding-DNA position 5821, C replaced by T.
Protein change: p.Leu1941Phe; replaces leucine 1941 with phenylalanine.
Molecular consequence: missense variant.
Genome position (GRCh38, 1-based): chr15:48,445,472, G>A on the plus strand (C>T on the coding strand, the complement: FBN1 is on the minus strand). VCF-style: chr15-48445472-G-A. GRCh37 (hg19) VCF-style: chr15-48737669-G-A.
Other names: short protein forms L1941F.
Identifiers: ClinVar variation 457236 (VCV000457236.8), dbSNP rs1555395763, ClinGen allele CA392340135.